The following is an entry in ClinVar:

ClinVar aggregate classification (germline): Pathogenic. Review status: criteria provided, multiple submitters, no conflicts (2 of 4 stars). 2 submissions from 2 submitters: Pathogenic (2). Last evaluated 2023-03-15.

Conditions:
Neuronal ceroid lipofuscinosis 7 (CLN7). Also called: MFSD8-Related Neuronal Ceroid-Lipofuscinosis. Identifiers: Orphanet 168491, Orphanet 228366, MedGen C1838571, MONDO:0012588, OMIM 610951.

Submissions (2):

Foundation for Research in Genetics and Endocrinology, FRIGE's Institute of Human Genetics
Classification: Pathogenic for Neuronal ceroid lipofuscinosis 7. Last evaluated: 2023-03-15. Review status: criteria provided, single submitter. Criteria: ACMG Guidelines, 2015. Collection method: clinical testing. Allele origin: germline. Inheritance: Autosomal recessive inheritance. Affected: yes. Observed: 1 homozygote.
Comment: A homozygous nonsense variant in exon 12 of the MFSD8 gene that results in a stop codon and premature truncation of the protein at codon 479 was detected . The observed variation was previously seen in patients affected with neuropsychiatric diseases. The observed variant has previously classified as pathogenic by ClinVar database. This variant has not been reported in the 1000 genomes, gnomAD, gnomdAD, topmed and our internal databases. The in silico predictions of the variant is damaging by MutationTaster2. The reference codon is conserved across primates. In summary, the variant meets our criteria to be classified as a pathogenic.

Centre for Inherited Metabolic Diseases, Karolinska University Hospital
Classification: Pathogenic for Neuronal ceroid lipofuscinosis 7. Last evaluated: 2021-04-07. Review status: criteria provided, single submitter. Criteria: ACMG Guidelines, 2015. Collection method: clinical testing. Allele origin: germline. Inheritance: Autosomal recessive inheritance. Affected: yes. Observed: 1 compound heterozygote.

NM_001371596.2(MFSD8):c.1437G>A (p.Trp479Ter)

Gene: MFSD8 (major facilitator superfamily domain containing 8; minus strand). Cytogenetic location: 4q28.2.
Variant type: single nucleotide variant.
Coding change: c.1437G>A on transcript NM_001371596.2 (MANE Select); coding-DNA position 1437, G replaced by A.
Protein change: p.Trp479Ter; replaces tryptophan 479 with a stop codon.
Molecular consequence: nonsense.
Genome position (GRCh38, 1-based): chr4:127,920,750, C>T on the plus strand (G>A on the coding strand, the complement: MFSD8 is on the minus strand). VCF-style: chr4-127920750-C-T. GRCh37 (hg19) VCF-style: chr4-128841905-C-T.
Other names: p.Trp479Ter; c.1236G>A, p.Trp412Ter (NM_001363520.3); c.1122G>A, p.Trp374Ter (NM_001363521.3); c.1302G>A, p.Trp434Ter (NM_001371590.2); c.1446G>A, p.Trp482Ter (NM_001371591.2); c.1443G>A, p.Trp481Ter (NM_001371592.2); c.1323G>A, p.Trp441Ter (NM_001371593.2); c.1290G>A, p.Trp430Ter (NM_001371594.2); and 5 more; short protein forms W374*, W385*, W412*, W430*, W434*, W441*, W479*, W481*.
Identifiers: ClinVar variation 1050805 (VCV001050805.6), dbSNP rs2148837137, ClinGen allele CA358170689.